The following is an entry in ClinVar:

ClinVar aggregate classification (germline): Uncertain significance (1 of 4 stars; one submission).

Allele frequency attached by ClinVar (database versions not stated): TOPMed 0.00002.
gnomAD v4.1: 8 of 1,613,602 alleles (0.0005%); highest among the groups gnomAD compares: Middle Eastern, 0.016%; no homozygotes.

Submission:

Labcorp Genetics (formerly Invitae), Labcorp
Classification: Uncertain significance. Last evaluated: 2025-12-24. Review status: criteria provided, single submitter. Criteria: Invitae Variant Classification Sherloc (09022015). Collection method: clinical testing. Allele origin: germline.
Comment: This sequence change falls in intron 6 of the DDX41 gene. It does not directly change the encoded amino acid sequence of the DDX41 protein. This variant is present in population databases (no rsID available, gnomAD no frequency). This variant has not been reported in the literature in individuals affected with DDX41-related conditions. ClinVar contains an entry for this variant (Variation ID: 2799136). Algorithms developed to predict the effect of sequence changes on RNA splicing suggest that this variant may disrupt the consensus splice site. In summary, the available evidence is currently insufficient to determine the role of this variant in disease. Therefore, it has been classified as a Variant of Uncertain Significance.

NM_016222.4(DDX41):c.572-15G>A

Gene: DDX41 (DEAD-box helicase 41; minus strand). Cytogenetic location: 5q35.3.
Variant type: single nucleotide variant.
Coding change: c.572-15G>A on transcript NM_016222.4 (MANE Select); 15 bases into the intron before coding-DNA position 572, G replaced by A.
Molecular consequence: intron variant.
Genome position (GRCh38, 1-based): chr5:177,515,273, C>T on the plus strand (G>A on the coding strand, the complement: DDX41 is on the minus strand). VCF-style: chr5-177515273-C-T. GRCh37 (hg19) VCF-style: chr5-176942274-C-T.
Other names: c.194-15G>A (NM_001321830.2, NM_001321732.2).
Identifiers: ClinVar variation 2799136 (VCV002799136.3), dbSNP rs1323014701, ClinGen allele CA564900638.